The following is an entry in ClinVar:

ClinVar aggregate classification (germline): Uncertain significance (1 of 4 stars; one submission).

Submission:

Labcorp Genetics (formerly Invitae), Labcorp
Classification: Uncertain significance. Last evaluated: 2024-06-29. Review status: criteria provided, single submitter. Criteria: Invitae Variant Classification Sherloc (09022015). Collection method: clinical testing. Allele origin: germline.
Comment: This sequence change falls in intron 43 of the COL4A1 gene. It does not directly change the encoded amino acid sequence of the COL4A1 protein. It affects a nucleotide within the consensus splice site. This variant is not present in population databases (gnomAD no frequency). This variant has not been reported in the literature in individuals affected with COL4A1-related conditions. Variants that disrupt the consensus splice site are a relatively common cause of aberrant splicing (PMID: 17576681, 9536098). Algorithms developed to predict the effect of sequence changes on RNA splicing suggest that this variant may disrupt the consensus splice site. In summary, the available evidence is currently insufficient to determine the role of this variant in disease. Therefore, it has been classified as a Variant of Uncertain Significance.

Literature cited by the submitters: PubMed 17576681; PubMed 9536098.

NM_001845.6(COL4A1):c.3877-3T>C

Gene: COL4A1 (collagen type IV alpha 1 chain; minus strand). Cytogenetic location: 13q34.
Variant type: single nucleotide variant.
Coding change: c.3877-3T>C on transcript NM_001845.6 (MANE Select); 3 bases into the intron before coding-DNA position 3877, T replaced by C.
Molecular consequence: intron variant.
Genome position (GRCh38, 1-based): chr13:110,167,233, A>G on the plus strand (T>C on the coding strand, the complement: COL4A1 is on the minus strand). VCF-style: chr13-110167233-A-G. GRCh37 (hg19) VCF-style: chr13-110819580-A-G.
Identifiers: ClinVar variation 3605012 (VCV003605012.2).